The following is an entry in ClinVar:

ClinVar aggregate classification (germline): Benign (0 of 4 stars; one submission).

Conditions:
PSMD12-related disorder. Also called: PSMD12-related condition.

Allele frequency attached by ClinVar (database versions not stated): gnomAD exomes 0.00065; ExAC 0.00215; 1000 Genomes Project 0.00579; 1000 Genomes Project 30x 0.00640; gnomAD 0.00653; ESP Exome Variant Server 0.00723; TOPMed 0.00772.
gnomAD v4.1: 1,989 of 1,613,490 alleles (0.12%); highest among the groups gnomAD compares: African/African-American, 2.4%; 24 homozygotes.

Submission:

PreventionGenetics, part of Exact Sciences
Classification: Benign for PSMD12-related condition. Last evaluated: 2022-06-21. Review status: no assertion criteria provided. Collection method: clinical testing. Allele origin: germline.
Comment: This variant is classified as benign based on ACMG/AMP sequence variant interpretation guidelines (Richards et al. 2015 PMID: 25741868, with internal and published modifications).

NM_002816.5(PSMD12):c.528A>G (p.Ser176=)

Gene: PSMD12 (proteasome 26S subunit, non-ATPase 12; minus strand). Cytogenetic location: 17q24.2.
Variant type: single nucleotide variant.
Coding change: c.528A>G on transcript NM_002816.5 (MANE Select); coding-DNA position 528, A replaced by G.
Protein change: p.Ser176=; no amino-acid change (serine 176 retained).
Molecular consequence: synonymous variant.
Genome position (GRCh38, 1-based): chr17:67,347,468, T>C on the plus strand (A>G on the coding strand, the complement: PSMD12 is on the minus strand). VCF-style: chr17-67347468-T-C. GRCh37 (hg19) VCF-style: chr17-65343584-T-C.
Other names: c.351A>G, p.Ser117= (NM_001316341.2); c.468A>G, p.Ser156= (NM_174871.4).
Identifiers: ClinVar variation 3033557 (VCV003033557.2), dbSNP rs73994539, ClinGen allele CA8723725.